The following is an entry in ClinVar:

NM_002227.4(JAK1):c.757A>G (p.Asn253Asp)

Gene: JAK1 (Janus kinase 1; minus strand). Cytogenetic location: 1p31.3.
Variant type: single nucleotide variant.
Coding change: c.757A>G on transcript NM_002227.4 (MANE Select); coding-DNA position 757, A replaced by G.
Protein change: p.Asn253Asp; replaces asparagine 253 with aspartic acid.
Molecular consequence: missense variant.
Genome position (GRCh38, 1-based): chr1:64,867,099, T>C on the plus strand (A>G on the coding strand, the complement: JAK1 is on the minus strand). VCF-style: chr1-64867099-T-C. GRCh37 (hg19) VCF-style: chr1-65332782-T-C.
Other names: c.757A>G, p.Asn253Asp (NM_001320923.2, NM_001321852.2, NM_001321853.2 and 4 more transcripts); short protein forms N253D.
Identifiers: ClinVar variation 3657076 (VCV003657076.2).
Genomic context (GRCh38, chr1:64,867,099, plus strand): 5'-TAGCCAAGTATTTCACCTTCAGGTCATGCGTGGACACGCTGCTGTCACAAATGGTCTTGT[T>C]GTTAAATTCCTTTAGGAAATCCTTGAAAACATTATTTATCCGCATCCTGGTGAGAAGGTT-3'
Protein context (NP_002218.2, residues 243-263): VFKDFLKEFN[Asn253Asp]KTICDSSVST

ClinVar aggregate classification (germline): Uncertain significance (1 of 4 stars; one submission).

gnomAD v4.1: 1 of 1,614,084 alleles (0.000062%); highest among the groups gnomAD compares: Non-Finnish European, 0.000085%; no homozygotes.

Submission:

Labcorp Genetics (formerly Invitae), Labcorp
Classification: Uncertain significance. Last evaluated: 2024-06-25. Review status: criteria provided, single submitter. Criteria: Invitae Variant Classification Sherloc (09022015). Collection method: clinical testing. Allele origin: germline.
Comment: This sequence change replaces asparagine, which is neutral and polar, with aspartic acid, which is acidic and polar, at codon 253 of the JAK1 protein (p.Asn253Asp). This variant is present in population databases (no rsID available, gnomAD 0.0009%). This variant has not been reported in the literature in individuals affected with JAK1-related conditions. Advanced modeling of protein sequence and biophysical properties (such as structural, functional, and spatial information, amino acid conservation, physicochemical variation, residue mobility, and thermodynamic stability) performed at Invitae indicates that this missense variant is not expected to disrupt JAK1 protein function with a negative predictive value of 80%. In summary, the available evidence is currently insufficient to determine the role of this variant in disease. Therefore, it has been classified as a Variant of Uncertain Significance.